The following is an entry in ClinVar:

NM_001122769.3(LCA5):c.1654G>A (p.Ala552Thr)

Gene: LCA5 (lebercilin LCA5; minus strand). Cytogenetic location: 6q14.1.
Variant type: single nucleotide variant.
Coding change: c.1654G>A on transcript NM_001122769.3 (MANE Select); coding-DNA position 1654, G replaced by A.
Protein change: p.Ala552Thr; replaces alanine 552 with threonine.
Molecular consequence: missense variant.
Genome position (GRCh38, 1-based): chr6:79,487,444, C>T on the plus strand (G>A on the coding strand, the complement: LCA5 is on the minus strand). VCF-style: chr6-79487444-C-T. GRCh37 (hg19) VCF-style: chr6-80197161-C-T.
Other names: c.1654G>A, p.Ala552Thr (NM_181714.4); c.1654G>A (NM_181714.3); short protein forms A552T.
Identifiers: ClinVar variation 1021043 (VCV001021043.6), dbSNP rs547237643, ClinGen allele CA3900791.

ClinVar aggregate classification (germline): Conflicting classifications of pathogenicity. Review status: criteria provided, conflicting classifications (1 of 4 stars). 5 submissions from 5 submitters: Uncertain significance (3); Likely benign (1). 1 of the submissions does not count toward it. Last evaluated 2025-11-07.

Conditions:
Inborn genetic diseases. Identifiers: MedGen C0950123, MeSH D030342.
Leber congenital amaurosis 5 (LCA5). Also called: Amaurosis congenita of Leber, type 5. Identifiers: Orphanet 65, MedGen C1858301, MONDO:0011473, OMIM 604537.

Allele frequency attached by ClinVar (database versions not stated): gnomAD 0.00001; TOPMed 0.00001; 1000 Genomes Project 0.00020.

Submissions (5):

Ambry Genetics
Classification: Uncertain significance for Inborn genetic diseases. Last evaluated: 2025-11-07. Review status: criteria provided, single submitter. Criteria: Ambry Variant Classification Scheme 2023. Collection method: clinical testing. Allele origin: germline.

Blueprint Genetics
Classification: Likely benign. Last evaluated: 2024-06-26. Review status: criteria provided, single submitter. Criteria: ACMG Guidelines, 2015. Collection method: clinical testing. Allele origin: germline.

Labcorp Genetics (formerly Invitae), Labcorp
Classification: Uncertain significance. Last evaluated: 2022-07-30. Review status: criteria provided, single submitter. Criteria: Invitae Variant Classification Sherloc (09022015). Collection method: clinical testing. Allele origin: germline.
Comment: This sequence change replaces alanine, which is neutral and non-polar, with threonine, which is neutral and polar, at codon 552 of the LCA5 protein (p.Ala552Thr). This variant is present in population databases (rs547237643, gnomAD 0.003%). This variant has not been reported in the literature in individuals affected with LCA5-related conditions. ClinVar contains an entry for this variant (Variation ID: 1021043). Algorithms developed to predict the effect of missense changes on protein structure and function output the following: SIFT: "Deleterious"; PolyPhen-2: "Benign"; Align-GVGD: "Class C0". The threonine amino acid residue is found in multiple mammalian species, which suggests that this missense change does not adversely affect protein function. In summary, the available evidence is currently insufficient to determine the role of this variant in disease. Therefore, it has been classified as a Variant of Uncertain Significance.

Department of Pathology and Laboratory Medicine, Sinai Health System
Classification: Uncertain significance for Leber congenital amaurosis 5. Last evaluated: 2022-07-04. Review status: criteria provided, single submitter. Criteria: ACMG Guidelines, 2015. Collection method: research. Allele origin: germline.

Natera, Inc.
Classification: Uncertain significance for Leber congenital amaurosis type 5. Last evaluated: 2020-05-04. Review status: no assertion criteria provided. Collection method: clinical testing. Allele origin: germline. Not counted in ClinVar's aggregate classification.